The following is an entry in ClinVar:

NM_007294.4(BRCA1):c.3083del (p.Arg1028fs)

Gene: BRCA1 (BRCA1 DNA repair associated; minus strand). Cytogenetic location: 17q21.31.
Variant type: Deletion.
Coding change: c.3083del on transcript NM_007294.4 (MANE Select); coding-DNA position 3083, one base deleted (G; older notation c.3083delG).
Protein change: p.Arg1028fs; shifts the reading frame from arginine 1028.
Molecular consequence: frameshift variant. On other transcripts: intron variant (137).
Genome position (GRCh38, 1-based): chr17:43,092,448, C deleted on the plus strand (G on the coding strand, the reverse complement: BRCA1 is on the minus strand). VCF-style (leftmost placement, unchanged base first): chr17-43092447-AC-A. GRCh37 (hg19) VCF-style: chr17-41244464-AC-A.
Other names: c.662-1416del (NM_001408434.1, NM_001408447.1, NM_001408433.1 and 6 more transcripts); c.785-1416del (NM_001408398.1, NM_001407992.1, NM_001408400.1 and 13 more transcripts); c.665-1416del (NM_001408440.1, NM_001408428.1, NM_001408441.1 and 12 more transcripts); c.671-1416del (NM_001408418.1, NM_001408423.1, NM_001408420.1 and 2 more transcripts); c.788-1416del (NM_001407981.1, NM_007298.4, NM_001407978.1 and 17 more transcripts); c.644-1416del (NM_001408462.1, NM_001408470.1, NM_001408464.1 and 3 more transcripts); c.710-1416del (NM_001408414.1, NM_001408411.1, NM_001408415.1 and 2 more transcripts); c.578-1416del (NM_001408514.1, NM_001408485.1, NM_001408483.1 and 9 more transcripts); and 41 more; short protein forms R1028fs, R981fs, R1027fs, R860fs, R901fs, R917fs, R940fs, R960fs.
Identifiers: ClinVar variation 481038 (VCV000481038.9), dbSNP rs1484076591, ClinGen allele CA626221301.

ClinVar aggregate classification (germline): Pathogenic. Review status: criteria provided, multiple submitters, no conflicts (2 of 4 stars). 2 submissions from 2 submitters: Pathogenic (2). Last evaluated 2024-08-31.

Conditions:
Hereditary cancer-predisposing syndrome. Also called: Hereditary Cancer Syndrome; Neoplastic Syndromes, Hereditary; Tumor predisposition; Hereditary neoplastic syndrome. Identifiers: Orphanet 140162, MedGen C0027672, MeSH D009386, MONDO:0015356.
Hereditary breast ovarian cancer syndrome. Also called: Hereditary breast and ovarian cancer syndrome; Hereditary breast and ovarian cancer; Hereditary breast and ovarian cancer syndrome (HBOC); Breast and ovarian cancer; Hereditary breast and/or ovarian cancer syndrome; BRCA1- and BRCA2-Associated Hereditary Breast and Ovarian Cancer. Identifiers: Orphanet 145, MedGen C0677776, MeSH D061325, MONDO:0003582. Disease mechanism: loss of function.

Allele frequency attached by ClinVar (database versions not stated): gnomAD exomes below 0.00001.

Submissions (2):

Labcorp Genetics (formerly Invitae), Labcorp
Classification: Pathogenic for Hereditary breast ovarian cancer syndrome. Last evaluated: 2024-08-31. Review status: criteria provided, single submitter. Criteria: Invitae Variant Classification Sherloc (09022015). Collection method: clinical testing. Allele origin: germline.
Comment: This sequence change creates a premature translational stop signal (p.Arg1028Leufs*20) in the BRCA1 gene. It is expected to result in an absent or disrupted protein product. Loss-of-function variants in BRCA1 are known to be pathogenic (PMID: 20104584). This variant is present in population databases (no rsID available, gnomAD 0.006%). This premature translational stop signal has been observed in individual(s) with breast and/or ovarian cancer (PMID: 31912679, 34235180). ClinVar contains an entry for this variant (Variation ID: 481038). For these reasons, this variant has been classified as Pathogenic.

Ambry Genetics
Classification: Pathogenic for Hereditary cancer-predisposing syndrome. Last evaluated: 2017-04-26. Review status: criteria provided, single submitter. Criteria: Ambry Variant Classification Scheme 2023. Collection method: clinical testing. Allele origin: germline.
Comment: The c.3083delG pathogenic mutation, located in coding exon 9 of the BRCA1 gene, results from a deletion of one nucleotide at nucleotide position 3083, causing a translational frameshift with a predicted alternate stop codon (p.R1028Lfs*20). This alteration is expected to result in loss of function by premature protein truncation or nonsense-mediated mRNA decay. As such, this alteration is interpreted as a disease-causing mutation.

Literature cited by the submitters: PubMed 20104584 (cited by Labcorp Genetics (formerly Invitae), Labcorp); PubMed 31912679 (cited by Labcorp Genetics (formerly Invitae), Labcorp); PubMed 34235180 (cited by Labcorp Genetics (formerly Invitae), Labcorp).